The following is an entry in ClinVar:

NM_021930.6(RINT1):c.1091C>T (p.Ser364Phe)

Gene: RINT1 (RAD50 interactor 1; plus strand). Cytogenetic location: 7q22.3.
Variant type: single nucleotide variant.
Coding change: c.1091C>T on transcript NM_021930.6 (MANE Select); coding-DNA position 1091, C replaced by T.
Protein change: p.Ser364Phe; replaces serine 364 with phenylalanine.
Molecular consequence: missense variant. On other transcripts: non-coding transcript variant (1).
Genome position (GRCh38, 1-based): chr7:105,550,149, C>T. VCF-style: chr7-105550149-C-T. GRCh37 (hg19) VCF-style: chr7-105190596-C-T.
Other names: c.857C>T, p.Ser286Phe (NM_001346599.2); c.68C>T, p.Ser23Phe (NM_001346600.2, NM_001346603.2); c.167C>T, p.Ser56Phe (NM_001346601.2); short protein forms S23F, S364F, S286F, S56F.
Identifiers: ClinVar variation 5028278 (VCV005028278.1).
Genomic context (GRCh38, chr7:105,550,149, plus strand): 5'-TTGGAAACCATACTGAATTTCTGGATGAGAAGATTCAGCCAATATTAGACAAAGTAGGCT[C>T]TTTGGTAAACGCAAGGGTAAGAGACTCAGTCATAAGTGTTTCTGTTTTAGAACTGTATGT-3'
Protein context (NP_068749.3, residues 354-374): KIQPILDKVG[Ser364Phe]LVNARLEFSR

ClinVar aggregate classification (germline): Uncertain significance (1 of 4 stars; one submission).

Submission:

Ambry Genetics
Classification: Uncertain significance. Last evaluated: 2026-07-12. Review status: criteria provided, single submitter. Criteria: Ambry Variant Classification Scheme 2023. Collection method: clinical testing. Allele origin: germline.
Comment: The p.S364F variant (also known as c.1091C>T), located in coding exon 8 of the RINT1 gene, results from a C to T substitution at nucleotide position 1091. The serine at codon 364 is replaced by phenylalanine, an amino acid with highly dissimilar properties. This amino acid position is conserved. In addition, this alteration is predicted to be tolerated by in silico analysis. Based on the available evidence, the clinical significance of this variant remains unclear.